The following is an entry in ClinVar:

NM_001111.5(ADAR):c.1760A>T (p.Tyr587Phe)

Gene: ADAR (adenosine deaminase RNA specific; minus strand). Cytogenetic location: 1q21.3.
Variant type: single nucleotide variant.
Coding change: c.1760A>T on transcript NM_001111.5 (MANE Select); coding-DNA position 1760, A replaced by T.
Protein change: p.Tyr587Phe; replaces tyrosine 587 with phenylalanine.
Molecular consequence: missense variant.
Genome position (GRCh38, 1-based): chr1:154,598,427, T>A on the plus strand (A>T on the coding strand, the complement: ADAR is on the minus strand). VCF-style: chr1-154598427-T-A. GRCh37 (hg19) VCF-style: chr1-154570903-T-A.
Other names: c.875A>T, p.Tyr292Phe (NM_001365047.1, NM_001365048.1, NM_001365049.1 and 3 more transcripts); c.1760A>T, p.Tyr587Phe (NM_015840.4, NM_015841.4); c.1787A>T, p.Tyr596Phe (NM_001365045.1); short protein forms Y292F, Y587F, Y596F.
Identifiers: ClinVar variation 1051852 (VCV001051852.9), dbSNP rs17843865, ClinGen allele CA342639250.

ClinVar aggregate classification (germline): Uncertain significance (1 of 4 stars; one submission).

Conditions:
Symmetrical dyschromatosis of extremities (DSH). Also called: Dyschromatosis symmetrica hereditaria; RETICULATE ACROPIGMENTATION OF DOHI; SYMMETRIC DYSCHROMATOSIS OF THE EXTREMITIES; DYSCHROMATOSIS SYMMETRICA HEREDITARIA 1. Identifiers: Orphanet 41, MedGen C0406775, MONDO:0007483, OMIM 127400.
Aicardi-Goutieres syndrome 6 (AGS6). Identifiers: Orphanet 51, MedGen C3539013, MONDO:0014007, OMIM 615010.

Submission:

Labcorp Genetics (formerly Invitae), Labcorp
Classification: Uncertain significance for Aicardi-Goutieres syndrome 6; Symmetrical dyschromatosis of extremities. Last evaluated: 2020-07-23. Review status: criteria provided, single submitter. Criteria: Invitae Variant Classification Sherloc (09022015). Collection method: clinical testing. Allele origin: germline.
Comment: In summary, the available evidence is currently insufficient to determine the role of this variant in disease. Therefore, it has been classified as a Variant of Uncertain Significance. Algorithms developed to predict the effect of missense changes on protein structure and function (SIFT, PolyPhen-2, Align-GVGD) all suggest that this variant is likely to be tolerated, but these predictions have not been confirmed by published functional studies and their clinical significance is uncertain. This variant has not been reported in the literature in individuals with ADAR-related conditions. This variant is not present in population databases (ExAC no frequency). This sequence change replaces tyrosine with phenylalanine at codon 587 of the ADAR protein (p.Tyr587Phe). The tyrosine residue is weakly conserved and there is a small physicochemical difference between tyrosine and phenylalanine.